The following is an entry in ClinVar:

NM_001035.3(RYR2):c.11837G>A (p.Gly3946Asp)

Gene: RYR2 (ryanodine receptor 2; plus strand). Cytogenetic location: 1q43.
Variant type: single nucleotide variant.
Coding change: c.11837G>A on transcript NM_001035.3 (MANE Select); coding-DNA position 11837, G replaced by A.
Protein change: p.Gly3946Asp; replaces glycine 3946 with aspartic acid.
Molecular consequence: missense variant.
Genome position (GRCh38, 1-based): chr1:237,778,727, G>A. VCF-style: chr1-237778727-G-A. GRCh37 (hg19) VCF-style: chr1-237942027-G-A.
Other names: c.11837G>A, p.Gly3946Asp (LRG_402t1); short protein forms G3946D.
Identifiers: ClinVar variation 644207 (VCV000644207.12), dbSNP rs1226397753, ClinGen allele CA345409335.

ClinVar aggregate classification (germline): Pathogenic/Likely pathogenic. Review status: criteria provided, multiple submitters, no conflicts (2 of 4 stars). 3 submissions from 3 submitters: Pathogenic (2); Likely pathogenic (1). Last evaluated 2024-07-06.

Conditions:
RYR2-related disorder. Also called: RYR2-related condition.
Catecholaminergic polymorphic ventricular tachycardia 1. Also called: RYR2-Related Catecholaminergic Polymorphic Ventricular Tachycardia; VENTRICULAR TACHYCARDIA, CATECHOLAMINERGIC POLYMORPHIC, 1, WITH OR WITHOUT ATRIAL DYSFUNCTION AND/OR DILATED CARDIOMYOPATHY; VENTRICULAR TACHYCARDIA, STRESS-INDUCED POLYMORPHIC 1. Identifiers: Orphanet 3286, MedGen C1631597, MONDO:0011484, OMIM 604772.

Submissions (3):

GeneDx
Classification: Pathogenic. Last evaluated: 2024-07-06. Review status: criteria provided, single submitter. Criteria: GeneDx Variant Classification Process June 2021. Collection method: clinical testing. Allele origin: germline. Affected: yes.
Comment: Not observed at significant frequency in large population cohorts (gnomAD); Located in one of the three hot-spot regions of the RYR2 gene, where the majority of pathogenic missense variants occur (PMID: 19926015); In silico analysis supports that this missense variant has a deleterious effect on protein structure/function; This variant is associated with the following publications: (PMID: 25525159, 19926015, 32152366, 24025405, 19398665)

Labcorp Genetics (formerly Invitae), Labcorp
Classification: Pathogenic for Catecholaminergic polymorphic ventricular tachycardia 1. Last evaluated: 2018-09-07. Review status: criteria provided, single submitter. Criteria: Invitae Variant Classification Sherloc (09022015). Collection method: clinical testing. Allele origin: germline.
Comment: For these reasons, this variant has been classified as Pathogenic. This variant disrupts the p.Gly3946 amino acid residue in RYR2. Other variant(s) that disrupt this residue have been observed in affected individuals (PMID: 19398665, 12093772, 23595086, Invitae), suggesting that it is a clinically significant residue. As a result, variants that disrupt this residue are likely to be causative of disease. Algorithms developed to predict the effect of missense changes on protein structure and function (SIFT, PolyPhen-2, Align-GVGD) all suggest that this variant is likely to be disruptive, but these predictions have not been confirmed by published functional studies and their clinical significance is uncertain. This variant has been observed to be de novo in an individual with a history of sudden cardiac arrest (Invitae). This variant has also been reported in an individual with catecholaminergic polymorphic ventricular tachycardia (CPVT) (PMID: 19398665). This variant is not present in population databases (ExAC no frequency). This sequence change replaces glycine with aspartic acid at codon 3946 of the RYR2 protein (p.Gly3946Asp). The glycine residue is highly conserved and there is a moderate physicochemical difference between glycine and aspartic acid.

Blueprint Genetics
Classification: Likely pathogenic for RYR2-related disorders. Last evaluated: 2017-11-09. Review status: criteria provided, single submitter. Criteria: ACMG Guidelines, 2015. Collection method: clinical testing. Allele origin: germline. Affected: yes. Observed: 1 variant allele.

Literature cited by the submitters: PubMed 19398665 (cited by Labcorp Genetics (formerly Invitae), Labcorp); PubMed 12093772 (cited by Labcorp Genetics (formerly Invitae), Labcorp); PubMed 23595086 (cited by Labcorp Genetics (formerly Invitae), Labcorp).